The following is an entry in ClinVar:

ClinVar aggregate classification (germline): Uncertain significance (1 of 4 stars; one submission).

Conditions:
Charcot-Marie-Tooth disease type 2. Also called: Charcot-Marie-Tooth type 2. Identifiers: Orphanet 64746, MedGen C0270914, MONDO:0018993.

Allele frequency attached by ClinVar (database versions not stated): gnomAD exomes below 0.00001; ExAC 0.00001.
gnomAD v4.1: 4 of 1,614,092 alleles (0.00025%); highest among the groups gnomAD compares: East Asian, 0.0022%; no homozygotes.

Submission:

Labcorp Genetics (formerly Invitae), Labcorp
Classification: Uncertain significance for Charcot-Marie-Tooth disease type 2. Last evaluated: 2024-09-08. Review status: criteria provided, single submitter. Criteria: Invitae Variant Classification Sherloc (09022015). Collection method: clinical testing. Allele origin: germline.
Comment: This sequence change creates a premature translational stop signal (p.Arg337*) in the GARS gene. It is expected to result in an absent or disrupted protein product. However, the current clinical and genetic evidence is not sufficient to establish whether loss-of-function variants in GARS cause disease. This variant is present in population databases (rs767696937, gnomAD 0.006%). This variant has not been reported in the literature in individuals affected with GARS-related conditions. ClinVar contains an entry for this variant (Variation ID: 654349). In summary, the available evidence is currently insufficient to determine the role of this variant in disease. Therefore, it has been classified as a Variant of Uncertain Significance.

NM_002047.4(GARS1):c.1009C>T (p.Arg337Ter)

Gene: GARS1 (glycyl-tRNA synthetase 1; plus strand). Cytogenetic location: 7p14.3.
Variant type: single nucleotide variant.
Coding change: c.1009C>T on transcript NM_002047.4 (MANE Select); coding-DNA position 1009, C replaced by T.
Protein change: p.Arg337Ter; replaces arginine 337 with a stop codon.
Molecular consequence: nonsense.
Genome position (GRCh38, 1-based): chr7:30,612,223, C>T. VCF-style: chr7-30612223-C-T. GRCh37 (hg19) VCF-style: chr7-30651839-C-T.
Other names: c.1009C>T (LRG_243t1); c.847C>T, p.Arg283Ter (NM_001316772.1); short protein forms R337*, R283*.
Identifiers: ClinVar variation 654349 (VCV000654349.6), dbSNP rs767696937, ClinGen allele CA4205863.